The following is an entry in ClinVar:

ClinVar aggregate classification (germline): Pathogenic (1 of 4 stars; one submission).

Conditions:
Hereditary cancer-predisposing syndrome. Also called: Neoplastic Syndromes, Hereditary; Tumor predisposition; Hereditary Cancer Syndrome; Hereditary neoplastic syndrome. Identifiers: Orphanet 140162, MedGen C0027672, MeSH D009386, MONDO:0015356.

Submission:

Ambry Genetics
Classification: Pathogenic for Hereditary cancer-predisposing syndrome. Last evaluated: 2022-01-07. Review status: criteria provided, single submitter. Criteria: Ambry Variant Classification Scheme 2023. Collection method: clinical testing. Allele origin: germline.
Comment: The p.L1194* pathogenic mutation (also known as c.3581T>G), located in coding exon 7 of the MSH6 gene, results from a T to G substitution at nucleotide position 3581. This changes the amino acid from a leucine to a stop codon within coding exon 7. This variant is considered to be rare based on population cohorts in the Genome Aggregation Database (gnomAD). This alteration is expected to result in loss of function by premature protein truncation or nonsense-mediated mRNA decay. As such, this alteration is interpreted as a disease-causing mutation.

NM_000179.3(MSH6):c.3581T>G (p.Leu1194Ter)

Gene: MSH6 (mutS homolog 6; plus strand). Cytogenetic location: 2p16.3.
Variant type: single nucleotide variant.
Coding change: c.3581T>G on transcript NM_000179.3 (MANE Select); coding-DNA position 3581, T replaced by G.
Protein change: p.Leu1194Ter; replaces leucine 1194 with a stop codon.
Molecular consequence: nonsense.
Genome position (GRCh38, 1-based): chr2:47,805,642, T>G. VCF-style: chr2-47805642-T-G. GRCh37 (hg19) VCF-style: chr2-48032781-T-G.
Other names: c.2675T>G, p.Leu892Ter (NM_001281493.2, NM_001281494.2, NM_001406811.1 and 6 more transcripts); c.3677T>G, p.Leu1226Ter (NM_001406795.1, NM_001406802.1); c.3581T>G, p.Leu1194Ter (NM_001406796.1, NM_001406800.1, NM_001406808.1 and 1 more transcripts); c.3284T>G, p.Leu1095Ter (NM_001406797.1, NM_001406801.1, NM_001406805.1 and 10 more transcripts); c.3407T>G, p.Leu1136Ter (NM_001406798.1); c.3056T>G, p.Leu1019Ter (NM_001406799.1, NM_001406806.1, NM_001406807.1); c.2717T>G, p.Leu906Ter (NM_001406803.1); c.3503T>G, p.Leu1168Ter (NM_001406804.1); and 7 more; short protein forms L1136*, L1194*, L1064*, L1095*, L1138*, L1196*, L892*, L1019*.
Identifiers: ClinVar variation 1732907 (VCV001732907.2), dbSNP rs2530822515, ClinGen allele CA346760515.
Genomic context (GRCh38, chr2:47,805,642, plus strand): 5'-AAATGAGTATTCATTTGTGATTTTTTTTTTTTTAAGGTGAAAGTACATTTTTTGTTGAAT[T>G]AAGTGAAACTGCCAGCATACTCATGCATGCAACAGCACATTCTCTGGTGCTTGTGGATGA-3'